The following is an entry in ClinVar:

NM_000038.6(APC):c.4778del (p.Lys1593fs)

Gene: APC (APC regulator of Wnt signaling pathway; plus strand). Cytogenetic location: 5q22.2.
Variant type: Deletion.
Coding change: c.4778del on transcript NM_000038.6 (MANE Select); coding-DNA position 4778, one base deleted (A; older notation c.4778delA).
Protein change: p.Lys1593fs; shifts the reading frame from lysine 1593.
Molecular consequence: frameshift variant.
Genome position (GRCh38, 1-based): chr5:112,840,372, A deleted; the last of 6 consecutive A bases (chr5:112,840,367-112,840,372); deleting any one gives the same sequence. VCF-style (leftmost placement, unchanged base first): chr5-112840366-CA-C. GRCh37 (hg19) VCF-style: chr5-112176063-CA-C.
Other names: NM_000038.6(APC):c.4778del; p.Lys1593fs; c.4778del (NM_000038.5); c.4778del, p.Lys1593fs (NM_001127510.3, NM_001354895.2); c.4724del, p.Lys1575fs (NM_001127511.3); c.4832del, p.Lys1611fs (NM_001354896.2); c.4808del, p.Lys1603fs (NM_001354897.2); c.4703del, p.Lys1568fs (NM_001354898.2); and 9 more; short protein forms K1492fs, K1502fs, K1568fs, K1593fs, K1603fs, K1310fs, K1467fs, K1565fs.
Identifiers: ClinVar variation 486786 (VCV000486786.11), dbSNP rs1554086185, ClinGen allele CA658655953.

ClinVar aggregate classification (germline): Pathogenic. Review status: reviewed by expert panel (3 of 4 stars). 5 submissions from 5 submitters: Pathogenic (1). 4 of the submissions do not count toward it. Last evaluated 2023-02-26.

Conditions:
Hereditary cancer-predisposing syndrome. Also called: Tumor predisposition; Hereditary Cancer Syndrome; Hereditary neoplastic syndrome; Neoplastic Syndromes, Hereditary. Identifiers: Orphanet 140162, MedGen C0027672, MeSH D009386, MONDO:0015356.
Familial adenomatous polyposis 1 (FAP1). Also called: FAMILIAL ADENOMATOUS POLYPOSIS 1, ATTENUATED; POLYPOSIS, ADENOMATOUS INTESTINAL. Identifiers: MedGen C2713442, MONDO:0021056, OMIM 175100. Disease mechanism: loss of function.

Submissions (5):

ClinGen InSiGHT Hereditary Colorectal Cancer/Polyposis Variant Curation Expert Panel
Classification: Pathogenic for Familial adenomatous polyposis 1. Last evaluated: 2023-02-26. Review status: reviewed by expert panel. Criteria: ClinGen InSiGHT HCCP VCEP ACMG Specifications APC V1. Collection method: curation. Allele origin: germline. Inheritance: Autosomal dominant inheritance.
Comment: The c.4778del p.(Lys1593Serfs*57) variant in APC is a frameshift variant located between codon 49 and 2645 and predicted to cause a premature stop codon in exon 16 in a gene in which loss-of-function is an established disease mechanism (PVS1). This variant has been reported in 2 probands meeting phenotypic criteria, resulting in a total phenotype score of 1 (PS4_Supporting, Internal lab contributors). This variant is absent from gnomAD v2.1.1 (PM2_Supporting). In summary, this variant is classified as Pathogenic for FAP based on the ACMG/AMP criteria applied, as specified by the ClinGen InSiGHT Hereditary Colorectal Cancer/Polyposis Variant Curation Expert Panel: PVS1, PS4_Supporting, PM2_Supporting (VCEP specifications version 1; date of approval: 12/12/2022).

Ambry Genetics
Classification: Pathogenic for Hereditary cancer-predisposing syndrome. Last evaluated: 2024-06-11. Review status: criteria provided, single submitter. Criteria: Ambry Variant Classification Scheme 2023. Collection method: clinical testing. Allele origin: germline. Not counted in ClinVar's aggregate classification.
Comment: The c.4778delA pathogenic mutation, located in coding exon 15 of the APC gene, results from a deletion of one nucleotide at nucleotide position 4778, causing a translational frameshift with a predicted alternate stop codon (p.K1593Sfs*57). This alteration occurs at the 3' terminus of theAPC gene, is not expected to trigger nonsense-mediated mRNA decay, and only impacts the last 47% of the protein. However, premature stop codons are typically deleterious in nature, and a significant portion of the protein is affected (Ambry internal data). This variant is considered to be rare based on population cohorts in the Genome Aggregation Database (gnomAD). Based on the supporting evidence, this variant is interpreted as a disease-causing mutation.

Myriad Genetics, Inc.
Classification: Pathogenic for Familial adenomatous polyposis 1. Last evaluated: 2023-05-11. Review status: criteria provided, single submitter. Criteria: Myriad Autosomal Dominant, Autosomal Recessive and X-Linked Classification Criteria (2023). Collection method: clinical testing. Allele origin: unknown. Not counted in ClinVar's aggregate classification.
Comment: This variant is considered pathogenic. This variant creates a frameshift predicted to result in premature protein truncation.

Quest Diagnostics Nichols Institute San Juan Capistrano
Classification: Pathogenic. Last evaluated: 2023-05-07. Review status: criteria provided, single submitter. Criteria: Quest Diagnostics criteria. Collection method: clinical testing. Allele origin: unknown. Not counted in ClinVar's aggregate classification.
Comment: This frameshift variant alters the translational reading frame of the APC mRNA and causes the premature termination of APC protein synthesis. This variant has not been reported in large, multi-ethnic general populations. To the best of our knowledge, the variant has not been reported in the published literature. Based on the available information, this variant is classified as pathogenic.

GeneDx
Classification: Pathogenic. Last evaluated: 2018-01-11. Review status: criteria provided, single submitter. Criteria: GeneDx Variant Classification (06012015). Collection method: clinical testing. Allele origin: germline. Affected: yes. Not counted in ClinVar's aggregate classification.
Comment: This deletion of one nucleotide in APC is denoted c.4778delA at the cDNA level and p.Lys1593SerfsX57 (K1593SfsX57) at the protein level. The normal sequence, with the base that is deleted in brackets, is CAAAAA[delA]GCCA. The deletion causes a frameshift which changes a Lysine to a Serine at codon 1593, and creates a premature stop codon at position 57 of the new reading frame. Although this variant has not, to our knowledge, been reported in the literature, it is predicted to cause loss of normal protein function through either protein truncation or nonsense-mediated mRNA decay. We consider this variant to be pathogenic.